The following is an entry in ClinVar:

ClinVar aggregate classification (germline): Uncertain significance (1 of 4 stars; one submission).

Conditions:
Charcot-Marie-Tooth disease, type I (CMT1). Also called: Charcot-Marie-Tooth disease type 1; Charcot-Marie-Tooth, Type 1. Identifiers: Orphanet 65753, MedGen C0751036, MONDO:0019011.

Submission:

Labcorp Genetics (formerly Invitae), Labcorp
Classification: Uncertain significance for Charcot-Marie-Tooth disease, type I. Last evaluated: 2018-12-25. Review status: criteria provided, single submitter. Criteria: Invitae Variant Classification Sherloc (09022015). Collection method: clinical testing. Allele origin: germline.
Comment: This sequence change replaces isoleucine with threonine at codon 98 of the EGR2 protein (p.Ile98Thr). The isoleucine residue is moderately conserved and there is a moderate physicochemical difference between isoleucine and threonine. This variant is not present in population databases (ExAC no frequency). This variant has not been reported in the literature in individuals with EGR2-related conditions. Algorithms developed to predict the effect of missense changes on protein structure and function are either unavailable or do not agree on the potential impact of this missense change (SIFT: "Tolerated"; PolyPhen-2: "Probably Damaging"; Align-GVGD: "Class C0"). In summary, the available evidence is currently insufficient to determine the role of this variant in disease. Therefore, it has been classified as a Variant of Uncertain Significance.

NM_000399.5(EGR2):c.293T>C (p.Ile98Thr)

Gene: EGR2 (early growth response 2; minus strand). Cytogenetic location: 10q21.3.
Variant type: single nucleotide variant.
Coding change: c.293T>C on transcript NM_000399.5 (MANE Select); coding-DNA position 293, T replaced by C.
Protein change: p.Ile98Thr; replaces isoleucine 98 with threonine.
Molecular consequence: missense variant.
Genome position (GRCh38, 1-based): chr10:62,814,345, A>G on the plus strand (T>C on the coding strand, the complement: EGR2 is on the minus strand). VCF-style: chr10-62814345-A-G. GRCh37 (hg19) VCF-style: chr10-64574105-A-G.
Other names: c.293T>C, p.Ile98Thr (NM_001136177.3, NM_001136178.2); c.143T>C, p.Ile48Thr (NM_001136179.3, NM_001321037.2); short protein forms I48T, I98T.
Identifiers: ClinVar variation 645648 (VCV000645648.7), dbSNP rs1589081791, ClinGen allele CA377031680.
Genomic context (GRCh38, chr10:62,814,345, plus strand): 5'-GCACTCACAATATTGATTATGCCTTCTGGGTAGCAGCTGGCACCAGGGTACTGAGGGTCA[A>G]TGGAGAACTTGCCCATGTAAGTGAAGGTCTGGTTTCTAGGTGCAGAGACGGGAGCAAAGC-3'
Protein context (NP_000390.2, residues 88-108): QTFTYMGKFS[Ile98Thr]DPQYPGASCY